The following is an entry in ClinVar:

ClinVar aggregate classification (germline): Uncertain significance. Review status: criteria provided, multiple submitters, no conflicts (2 of 4 stars). 2 submissions from 2 submitters: Uncertain significance (2). Last evaluated 2026-08-01.

Conditions:
Inborn genetic diseases. Identifiers: MedGen C0950123, MeSH D030342.

Submissions (2):

CeGaT Center for Human Genetics Tuebingen
Classification: Uncertain significance. Last evaluated: 2026-08-01. Review status: criteria provided, single submitter. Criteria: CeGaT Center For Human Genetics Tuebingen Variant Classification Criteria Version 2. Collection method: clinical testing. Allele origin: germline. Affected: yes. Observed: 1 variant allele.
Comment: PIGG: PM2, BP4

Ambry Genetics
Classification: Uncertain significance for Inborn genetic diseases. Last evaluated: 2025-08-30. Review status: criteria provided, single submitter. Criteria: Ambry Variant Classification Scheme 2023. Collection method: clinical testing. Allele origin: germline.

NM_001127178.3(PIGG):c.1118C>G (p.Pro373Arg)

Gene: PIGG (phosphatidylinositol glycan anchor biosynthesis class G (EMM blood group); plus strand). Cytogenetic location: 4p16.3.
Variant type: single nucleotide variant.
Coding change: c.1118C>G on transcript NM_001127178.3 (MANE Select); coding-DNA position 1118, C replaced by G.
Protein change: p.Pro373Arg; replaces proline 373 with arginine.
Molecular consequence: missense variant. On other transcripts: 5 prime UTR variant (2), non-coding transcript variant (10), intron variant (1).
Genome position (GRCh38, 1-based): chr4:521,059, C>G. VCF-style: chr4-521059-C-G. GRCh37 (hg19) VCF-style: chr4-514848-C-G.
Other names: c.851C>G, p.Pro284Arg (NM_001289051.2, NM_001289053.2, NM_001345986.2 and 1 more transcripts); c.719C>G, p.Pro240Arg (NM_001289052.2); c.752C>G, p.Pro251Arg (NM_001289055.2); c.89C>G, p.Pro30Arg (NM_001345988.2); c.1118C>G, p.Pro373Arg (NM_001345989.2, NM_017733.5); c.-370C>G (NM_001345990.2, NM_001345991.2); c.44C>G, p.Pro15Arg (NM_001345994.2); c.848-601C>G (NM_001289057.2); short protein forms P240R, P373R, P15R, P284R, P251R, P30R.
Identifiers: ClinVar variation 4136553 (VCV004136553.2).